The following is an entry in ClinVar:

NM_003560.4(PLA2G6):c.266C>T (p.Ser89Phe)

Gene: PLA2G6 (phospholipase A2 group VI; minus strand). Cytogenetic location: 22q13.1.
Variant type: single nucleotide variant.
Coding change: c.266C>T on transcript NM_003560.4 (MANE Select); coding-DNA position 266, C replaced by T.
Protein change: p.Ser89Phe; replaces serine 89 with phenylalanine.
Molecular consequence: missense variant. On other transcripts: 5 prime UTR variant (3).
Genome position (GRCh38, 1-based): chr22:38,145,597, G>A on the plus strand (C>T on the coding strand, the complement: PLA2G6 is on the minus strand). VCF-style: chr22-38145597-G-A. GRCh37 (hg19) VCF-style: chr22-38541604-G-A.
Other names: c.266C>T, p.Ser89Phe (NM_001004426.3, NM_001199562.3, NM_001349864.2 and 2 more transcripts); c.-269C>T (NM_001349867.2, NM_001349869.2); c.-225C>T (NM_001349868.2); short protein forms S89F.
Identifiers: ClinVar variation 872405 (VCV000872405.42), dbSNP rs142715413, ClinGen allele CA10231303.

ClinVar aggregate classification (germline): Uncertain significance. Review status: criteria provided, multiple submitters, no conflicts (2 of 4 stars). 2 submissions from 2 submitters: Uncertain significance (2). Last evaluated 2022-06-11.

Conditions:
Infantile neuroaxonal dystrophy (NBIA2A). Also called: NEURODEGENERATION WITH BRAIN IRON ACCUMULATION 2A; Infantile neuroaxonal dystrophy 1; SEITELBERGER DISEASE. Identifiers: Orphanet 35069, MedGen C0270724, MONDO:0024457, OMIM 256600.

Allele frequency attached by ClinVar (database versions not stated): TOPMed 0.00001.
gnomAD v4.1: 8 of 1,613,718 alleles (0.0005%); highest among the groups gnomAD compares: Admixed American, 0.005%; no homozygotes.

Submissions (2):

Labcorp Genetics (formerly Invitae), Labcorp
Classification: Uncertain significance for Infantile neuroaxonal dystrophy. Last evaluated: 2022-06-11. Review status: criteria provided, single submitter. Criteria: Invitae Variant Classification Sherloc (09022015). Collection method: clinical testing. Allele origin: germline.
Comment: This sequence change replaces serine, which is neutral and polar, with phenylalanine, which is neutral and non-polar, at codon 89 of the PLA2G6 protein (p.Ser89Phe). This variant is present in population databases (rs142715413, gnomAD 0.009%). This variant has not been reported in the literature in individuals affected with PLA2G6-related conditions. ClinVar contains an entry for this variant (Variation ID: 872405). Algorithms developed to predict the effect of missense changes on protein structure and function (SIFT, PolyPhen-2, Align-GVGD) all suggest that this variant is likely to be tolerated. In summary, the available evidence is currently insufficient to determine the role of this variant in disease. Therefore, it has been classified as a Variant of Uncertain Significance.

CeGaT Center for Human Genetics Tuebingen
Classification: Uncertain significance. Last evaluated: 2019-11-01. Review status: criteria provided, single submitter. Criteria: CeGaT Center For Human Genetics Tuebingen Variant Classification Criteria Version 2. Collection method: clinical testing. Allele origin: germline. Affected: yes. Observed: 1 variant allele.